The following is an entry in ClinVar:

NM_000074.3(CD40LG):c.413T>C (p.Leu138Ser)

Gene: CD40LG (CD40 ligand; plus strand). Cytogenetic location: Xq26.3.
Variant type: single nucleotide variant.
Coding change: c.413T>C on transcript NM_000074.3 (MANE Select); coding-DNA position 413, T replaced by C.
Protein change: p.Leu138Ser; replaces leucine 138 with serine.
Molecular consequence: missense variant.
Genome position (GRCh38, 1-based): chrX:136,659,042, T>C. VCF-style: chrX-136659042-T-C. GRCh37 (hg19) VCF-style: chrX-135741201-T-C.
Other names: short protein forms L138S.
Identifiers: ClinVar variation 2499154 (VCV002499154.29), dbSNP rs2522117677, ClinGen allele CA414755557.

ClinVar aggregate classification (germline): Conflicting classifications of pathogenicity. Review status: criteria provided, conflicting classifications (1 of 4 stars). 2 submissions from 2 submitters: Likely pathogenic (1); Uncertain significance (1). Last evaluated 2025-08-01.

Conditions:
Hyper-IgM syndrome type 1. Also called: Hyper-IgM Immunodeficiency Syndrome, Type 1; CD40 Ligand Deficiency; X-linked hyper-IgM syndrome; Immunodeficiency, X-linked, with hyper-IgM. Identifiers: Orphanet 101088, MedGen C0398689, MONDO:0010626, OMIM 308230.

Submissions (2):

Labcorp Genetics (formerly Invitae), Labcorp
Classification: Uncertain significance for Hyper-IgM syndrome type 1. Last evaluated: 2025-08-01. Review status: criteria provided, single submitter. Criteria: Invitae Variant Classification Sherloc (09022015). Collection method: clinical testing. Allele origin: germline.
Comment: This sequence change replaces leucine, which is neutral and non-polar, with serine, which is neutral and polar, at codon 138 of the CD40LG protein (p.Leu138Ser). This variant is not present in population databases (gnomAD no frequency). This variant has not been reported in the literature in individuals affected with CD40LG-related conditions. ClinVar contains an entry for this variant (Variation ID: 2499154). Invitae Evidence Modeling of protein sequence and biophysical properties (such as structural, functional, and spatial information, amino acid conservation, physicochemical variation, residue mobility, and thermodynamic stability) has been performed for this missense variant. However, the output from this modeling did not meet the statistical confidence thresholds required to predict the impact of this variant on CD40LG protein function. In summary, the available evidence is currently insufficient to determine the role of this variant in disease. Therefore, it has been classified as a Variant of Uncertain Significance.

CeGaT Center for Human Genetics Tuebingen
Classification: Likely pathogenic. Last evaluated: 2023-06-01. Review status: criteria provided, single submitter. Criteria: CeGaT Center For Human Genetics Tuebingen Variant Classification Criteria Version 2. Collection method: clinical testing. Allele origin: germline. Affected: yes. Observed: 2 variant alleles.
Comment: CD40LG: PM2, PM5, PP4:Moderate